The following is an entry in ClinVar:

ClinVar aggregate classification (germline): Pathogenic. Review status: criteria provided, multiple submitters, no conflicts (2 of 4 stars). 6 submissions from 6 submitters: Pathogenic (5). 1 of the submissions does not count toward it. Last evaluated 2023-12-08.

Conditions:
DICER1-related tumor predisposition. Also called: DICER1-related pleuropulmonary blastoma cancer predisposition syndrome; DICER1 syndrome. Identifiers: Orphanet 284343, MedGen C3839822, MONDO:0100216.
Hereditary cancer-predisposing syndrome. Also called: Neoplastic Syndromes, Hereditary; Hereditary Cancer Syndrome; Tumor predisposition; Hereditary neoplastic syndrome. Identifiers: Orphanet 140162, MedGen C0027672, MeSH D009386, MONDO:0015356.
Pleuropulmonary blastoma (PPB). Identifiers: Orphanet 64742, MedGen C1266144, MONDO:0011014, OMIM 601200, HP:0100528.

Submissions (6):

GeneDx
Classification: Pathogenic. Last evaluated: 2023-12-08. Review status: criteria provided, single submitter. Criteria: GeneDx Variant Classification Process June 2021. Collection method: clinical testing. Allele origin: germline. Affected: yes.
Comment: Nonsense variant predicted to result in protein truncation or nonsense mediated decay in a gene for which loss of function is a known mechanism of disease; Not observed at significant frequency in large population cohorts (gnomAD); This variant is associated with the following publications: (PMID: 25525159, 25451712, 24708902, 19556464, 28654427, 21266384, 30178239, 24839956, 23728841, 21501861, 26925222, 30339877)

Foulkes Cancer Genetics LDI, Lady Davis Institute for Medical Research
Classification: Pathogenic for Pleuropulmonary blastoma. Last evaluated: 2019-07-01. Review status: criteria provided, single submitter. Criteria: ACMG Guidelines, 2015. Collection method: curation. Allele origin: germline. Affected: yes. Observed: 15 variant alleles.
Comment: ACMG criteria met: PVS1, PM2, PM7, PP4

Labcorp Genetics (formerly Invitae), Labcorp
Classification: Pathogenic for DICER1-related pleuropulmonary blastoma cancer predisposition syndrome. Last evaluated: 2018-10-17. Review status: criteria provided, single submitter. Criteria: Invitae Variant Classification Sherloc (09022015). Collection method: clinical testing. Allele origin: germline.
Comment: This sequence change creates a premature translational stop signal (p.Glu503*) in the DICER1 gene. It is expected to result in an absent or disrupted protein product. This variant is not present in population databases (ExAC no frequency). This variant has been observed in several individuals affected with pleuropulmonary blastoma orÂ¬â€ Sertoli-Leydig cell tumorÂ¬â€ (PMID:Â¬â€ 19556464,Â¬â€ 24708902,Â¬â€ 26925222). This variant is also known asÂ¬â€ 1689G>T (E493X)Â¬â€ in the literature.Â¬â€ ClinVar contains an entry for this variant (Variation ID: 4469). Loss-of-function variants in DICER1 are known to be pathogenic (PMID: 19556464, 21266384). For these reasons, this variant has been classified as Pathogenic.

International Pleuropulmonary Blastoma Registry, Children's Hospitals and Clinics of Minnesota
Classification: Pathogenic for Pleuropulmonary blastoma. Last evaluated: 2014-11-10. Review status: criteria provided, single submitter. Criteria: Hill et al. (Science. 2009). Collection method: clinical testing. Allele origin: germline. Affected: yes. Study: PPB-DICER1 Genetic study.

Ambry Genetics
Classification: Pathogenic for Hereditary cancer-predisposing syndrome. Last evaluated: 2013-06-18. Review status: criteria provided, single submitter. Criteria: Ambry Autosomal Dominant and X-Linked criteria (10/2015). Collection method: clinical testing. Allele origin: germline. Observed: 1 variant allele.
Comment: This alteration is expected to result in loss of function by premature protein truncation or nonsense-mediatedâ€¯mRNAâ€¯decay.â€¯As such, this alteration is interpreted as a disease-causing mutation.

OMIM
Classification: Pathogenic for PLEUROPULMONARY BLASTOMA. Last evaluated: 2009-08-21. Review status: no assertion criteria provided. Collection method: literature only. Allele origin: germline. Not counted in ClinVar's aggregate classification.

Literature cited by the submitters: PubMed 19556464 (cited by Foulkes Cancer Genetics LDI, Lady Davis Institute for Medical Research and OMIM); PubMed 21501861 (cited by Foulkes Cancer Genetics LDI, Lady Davis Institute for Medical Research); PubMed 26925222 (cited by Foulkes Cancer Genetics LDI, Lady Davis Institute for Medical Research and International Pleuropulmonary Blastoma Registry, Children's Hospitals and Clinics of Minnesota); PubMed 30339877 (cited by Foulkes Cancer Genetics LDI, Lady Davis Institute for Medical Research); PubMed 23728841 (cited by Foulkes Cancer Genetics LDI, Lady Davis Institute for Medical Research); PubMed 24481001 (cited by Foulkes Cancer Genetics LDI, Lady Davis Institute for Medical Research); PubMed 24839956 (cited by Foulkes Cancer Genetics LDI, Lady Davis Institute for Medical Research); PubMed 28323992 (cited by Foulkes Cancer Genetics LDI, Lady Davis Institute for Medical Research); PubMed 28654427 (cited by Foulkes Cancer Genetics LDI, Lady Davis Institute for Medical Research); PubMed 30178239 (cited by Foulkes Cancer Genetics LDI, Lady Davis Institute for Medical Research).

NM_177438.3(DICER1):c.1507G>T (p.Glu503Ter)

Gene: DICER1 (dicer 1, ribonuclease III; minus strand). Cytogenetic location: 14q32.13.
Variant type: single nucleotide variant.
Coding change: c.1507G>T on transcript NM_177438.3 (MANE Select); coding-DNA position 1507, G replaced by T.
Protein change: p.Glu503Ter; replaces glutamic acid 503 with a stop codon.
Molecular consequence: nonsense.
Genome position (GRCh38, 1-based): chr14:95,117,624, C>A on the plus strand (G>T on the coding strand, the complement: DICER1 is on the minus strand). VCF-style: chr14-95117624-C-A. GRCh37 (hg19) VCF-style: chr14-95583961-C-A.
Other names: E493*; NP_803187.1:p.E503*; c.1507G>T, p.Glu503Ter (NM_001195573.1, NM_001271282.3, NM_001291628.2 and 1 more transcripts); short protein forms E503*.
Identifiers: ClinVar variation 4469 (VCV000004469.8), dbSNP rs137852977, ClinGen allele CA212571.